The following is an entry in ClinVar:

ClinVar aggregate classification (germline): Conflicting classifications of pathogenicity. Review status: criteria provided, conflicting classifications (1 of 4 stars). 4 submissions from 4 submitters: Uncertain significance (2); Likely benign (1). 1 of the submissions does not count toward it. Last evaluated 2026-02-18.

Conditions:
Inborn genetic diseases. Identifiers: MedGen C0950123, MeSH D030342.
SLC34A3-related disorder. Also called: SLC34A3-related condition.

Allele frequency attached by ClinVar (database versions not stated): gnomAD exomes 0.00003 and 0.00019; gnomAD 0.00004 and 0.00005; TOPMed 0.00009; ExAC 0.00025.
gnomAD v4.1: 53 of 1,589,296 alleles (0.0033%); highest among the groups gnomAD compares: East Asian, 0.076%; no homozygotes.

Submissions (4):

GeneDx
Classification: Uncertain significance. Last evaluated: 2026-02-18. Review status: criteria provided, single submitter. Criteria: GeneDx Variant Classification Process June 2021. Collection method: clinical testing. Allele origin: germline.
Comment: In silico analysis supports that this missense variant has a deleterious effect on protein structure/function; Has not been previously published as pathogenic or benign to our knowledge

Labcorp Genetics (formerly Invitae), Labcorp
Classification: Likely benign. Last evaluated: 2025-10-05. Review status: criteria provided, single submitter. Criteria: Invitae Variant Classification Sherloc (09022015). Collection method: clinical testing. Allele origin: germline.

Ambry Genetics
Classification: Uncertain significance for Inborn genetic diseases. Last evaluated: 2023-05-03. Review status: criteria provided, single submitter. Criteria: Ambry Variant Classification Scheme 2023. Collection method: clinical testing. Allele origin: germline.

PreventionGenetics, part of Exact Sciences
Classification: Likely benign for SLC34A3-related condition. Last evaluated: 2024-03-29. Review status: no assertion criteria provided. Collection method: clinical testing. Allele origin: germline. Not counted in ClinVar's aggregate classification.
Comment: This variant is classified as likely benign based on ACMG/AMP sequence variant interpretation guidelines (Richards et al. 2015 PMID: 25741868, with internal and published modifications).

NM_001177316.2(SLC34A3):c.638C>T (p.Thr213Met)

Gene: SLC34A3 (solute carrier family 34 member 3; plus strand). Cytogenetic location: 9q34.3.
Variant type: single nucleotide variant.
Coding change: c.638C>T on transcript NM_001177316.2 (MANE Select); coding-DNA position 638, C replaced by T.
Protein change: p.Thr213Met; replaces threonine 213 with methionine.
Molecular consequence: missense variant.
Genome position (GRCh38, 1-based): chr9:137,233,286, C>T. VCF-style: chr9-137233286-C-T. GRCh37 (hg19) VCF-style: chr9-140127738-C-T.
Other names: c.638C>T, p.Thr213Met (NM_001177317.2, NM_080877.3); c.638C>T (NM_080877.2); short protein forms T213M.
Identifiers: ClinVar variation 1078669 (VCV001078669.11), dbSNP rs752335467, ClinGen allele CA5364508.